The following is an entry in ClinVar:

NM_152564.5(VPS13B):c.4224+558C>G

Gene: VPS13B (vacuolar protein sorting 13 homolog B; plus strand). Cytogenetic location: 8q22.2.
Variant type: single nucleotide variant.
Coding change: c.4224+558C>G on transcript NM_152564.5 (MANE Select); 558 bases into the intron after coding-DNA position 4224, C replaced by G.
Molecular consequence: intron variant.
Genome position (GRCh38, 1-based): chr8:99,507,761, C>G. VCF-style: chr8-99507761-C-G. GRCh37 (hg19) VCF-style: chr8-100519989-C-G.
Other names: c.4158-9C>G (NM_017890.5).
Identifiers: ClinVar variation 4977919 (VCV004977919.1).
Genomic context (GRCh38, chr8:99,507,761, plus strand): 5'-ATTTTTTTGCTTATGGCTTTTATTGCTTTTTGTCTTTTCACCTTCTTTGCTCCTGTCCAT[C>G]ACTTCAAGCCTTGGGGAAGAGTGTTGGTCTTTGGGGCAATGTGGAGGTGTCTTCCTTTCC-3'

ClinVar aggregate classification (germline): Likely benign (1 of 4 stars; one submission).

Conditions:
VPS13B-related disorder. Also called: VPS13B-related condition.

gnomAD v4.1: 1 of 1,613,896 alleles (0.000062%); highest among the groups gnomAD compares: African/African-American, 0.0013%; no homozygotes.

Submission:

PreventionGenetics, part of Exact Sciences
Classification: Likely benign for VPS13B-related condition. Last evaluated: 2025-07-28. Review status: criteria provided, single submitter. Criteria: ACMG Guidelines, 2015. Collection method: clinical testing. Allele origin: germline.
Comment: This variant is classified as likely benign based on ACMG/AMP sequence variant interpretation guidelines (Richards et al. 2015 PMID: 25741868, with internal and published modifications).